The following is an entry in ClinVar:

NM_001408.3(CELSR2):c.1418G>C (p.Arg473Pro)

Gene: CELSR2 (cadherin EGF LAG seven-pass G-type receptor 2; plus strand). Cytogenetic location: 1p13.3.
Variant type: single nucleotide variant.
Coding change: c.1418G>C on transcript NM_001408.3 (MANE Select); coding-DNA position 1418, G replaced by C.
Protein change: p.Arg473Pro; replaces arginine 473 with proline.
Molecular consequence: missense variant.
Genome position (GRCh38, 1-based): chr1:109,251,497, G>C. VCF-style: chr1-109251497-G-C. GRCh37 (hg19) VCF-style: chr1-109794119-G-C.
Other names: short protein forms R473P.
Identifiers: ClinVar variation 3663541 (VCV003663541.2).
Genomic context (GRCh38, chr1:109,251,497, plus strand): 5'-CTGGAGCTCTGGATGTGGTGAGCCCTCTTGACTATGAGACGACCAAGGAGTACACCCTAC[G>C]GGTGCGAGCACAGGATGGTGGCCGTCCCCCACTCTCTAATGTCTCTGGCTTGGTGACAGT-3'
Protein context (NP_001399.1, residues 463-483): DYETTKEYTL[Arg473Pro]VRAQDGGRPP

ClinVar aggregate classification (germline): Uncertain significance (1 of 4 stars; one submission).

Submission:

Labcorp Genetics (formerly Invitae), Labcorp
Classification: Uncertain significance. Last evaluated: 2025-01-13. Review status: criteria provided, single submitter. Criteria: Invitae Variant Classification Sherloc (09022015). Collection method: clinical testing. Allele origin: germline.
Comment: This sequence change replaces arginine, which is basic and polar, with proline, which is neutral and non-polar, at codon 473 of the CELSR2 protein (p.Arg473Pro). This variant is not present in population databases (gnomAD no frequency). This variant has not been reported in the literature in individuals affected with CELSR2-related conditions. Invitae Evidence Modeling of protein sequence and biophysical properties (such as structural, functional, and spatial information, amino acid conservation, physicochemical variation, residue mobility, and thermodynamic stability) has been performed for this missense variant. However, the output from this modeling did not meet the statistical confidence thresholds required to predict the impact of this variant on CELSR2 protein function. In summary, the available evidence is currently insufficient to determine the role of this variant in disease. Therefore, it has been classified as a Variant of Uncertain Significance.